The following is an entry in ClinVar:

ClinVar aggregate classification (germline): Conflicting classifications of pathogenicity. Review status: criteria provided, conflicting classifications (1 of 4 stars). 4 submissions from 4 submitters: Uncertain significance (3); Likely benign (1). Last evaluated 2025-11-03.

Conditions:
Familial adenomatous polyposis 1 (FAP1). Also called: POLYPOSIS, ADENOMATOUS INTESTINAL; FAMILIAL ADENOMATOUS POLYPOSIS 1, ATTENUATED. Identifiers: MedGen C2713442, MONDO:0021056, OMIM 175100. Disease mechanism: loss of function.
Hereditary cancer-predisposing syndrome. Also called: Tumor predisposition; Neoplastic Syndromes, Hereditary; Hereditary Cancer Syndrome; Hereditary neoplastic syndrome. Identifiers: Orphanet 140162, MedGen C0027672, MeSH D009386, MONDO:0015356.

Submissions (4):

Labcorp Genetics (formerly Invitae), Labcorp
Classification: Uncertain significance for Familial adenomatous polyposis 1. Last evaluated: 2025-11-03. Review status: criteria provided, single submitter. Criteria: Invitae Variant Classification Sherloc (09022015). Collection method: clinical testing. Allele origin: germline.
Comment: This sequence change replaces serine, which is neutral and polar, with alanine, which is neutral and non-polar, at codon 2580 of the APC protein (p.Ser2580Ala). This variant is not present in population databases (gnomAD no frequency). This variant has not been reported in the literature in individuals affected with APC-related conditions. ClinVar contains an entry for this variant (Variation ID: 801041). Invitae Evidence Modeling of protein sequence and biophysical properties (such as structural, functional, and spatial information, amino acid conservation, physicochemical variation, residue mobility, and thermodynamic stability) indicates that this missense variant is not expected to disrupt APC protein function with a negative predictive value of 95%. In summary, the available evidence is currently insufficient to determine the role of this variant in disease. Therefore, it has been classified as a Variant of Uncertain Significance.

Ambry Genetics
Classification: Likely benign for Hereditary cancer-predisposing syndrome. Last evaluated: 2025-04-07. Review status: criteria provided, single submitter. Criteria: Ambry Variant Classification Scheme 2023. Collection method: clinical testing. Allele origin: germline.

Color Diagnostics, LLC DBA Color Health
Classification: Uncertain significance for Hereditary cancer-predisposing syndrome. Last evaluated: 2024-03-06. Review status: criteria provided, single submitter. Criteria: ACMG Guidelines, 2015. Collection method: clinical testing. Allele origin: germline.
Comment: This missense variant replaces serine with alanine at codon 2580 of the APC protein. Computational prediction suggests that this variant may not impact protein structure and function (internally defined REVEL score threshold <= 0.5, PMID: 27666373). To our knowledge, functional studies have not been reported for this variant. This variant has not been reported in individuals affected with hereditary cancer in the literature. This variant has not been identified in the general population by the Genome Aggregation Database (gnomAD). The available evidence is insufficient to determine the role of this variant in disease conclusively. Therefore, this variant is classified as a Variant of Uncertain Significance.

Quest Diagnostics Nichols Institute San Juan Capistrano
Classification: Uncertain significance. Last evaluated: 2018-09-11. Review status: criteria provided, single submitter. Criteria: Quest Diagnostics criteria. Collection method: clinical testing. Allele origin: germline.

NM_000038.6(APC):c.7738T>G (p.Ser2580Ala)

Gene: APC (APC regulator of Wnt signaling pathway; plus strand). Cytogenetic location: 5q22.2.
Variant type: single nucleotide variant.
Coding change: c.7738T>G on transcript NM_000038.6 (MANE Select); coding-DNA position 7738, T replaced by G.
Protein change: p.Ser2580Ala; replaces serine 2580 with alanine.
Molecular consequence: missense variant.
Genome position (GRCh38, 1-based): chr5:112,843,332, T>G. VCF-style: chr5-112843332-T-G. GRCh37 (hg19) VCF-style: chr5-112179029-T-G.
Other names: c.7738T>G, p.Ser2580Ala (NM_001127510.3, NM_001354895.2); c.7684T>G, p.Ser2562Ala (NM_001127511.3); c.7792T>G, p.Ser2598Ala (NM_001354896.2); c.7768T>G, p.Ser2590Ala (NM_001354897.2); c.7663T>G, p.Ser2555Ala (NM_001354898.2); c.7654T>G, p.Ser2552Ala (NM_001354899.2); c.7615T>G, p.Ser2539Ala (NM_001354900.2); c.7561T>G, p.Ser2521Ala (NM_001354901.2); and 5 more; short protein forms S2552A, S2297A, S2479A, S2420A, S2454A, S2489A, S2521A, S2555A.
Identifiers: ClinVar variation 801041 (VCV000801041.19), dbSNP rs1580686014, ClinGen allele CA16038136.
Genomic context (GRCh38, chr5:112,843,332, plus strand): 5'-CGAGTAAGCACTTGGAGAAGAACTGGAAGTTCATCTTCAATTCTTTCTGCTTCATCAGAA[T>G]CCAGTGAAAAAGCAAAAAGTGAGGATGAAAAACATGTGAACTCTATTTCAGGAACCAAAC-3'
Protein context (NP_000029.2, residues 2570-2590): SSSILSASSE[Ser2580Ala]SEKAKSEDEK